The following is an entry in ClinVar:

ClinVar aggregate classification (germline): Uncertain significance (1 of 4 stars; one submission).

Conditions:
Cardiovascular phenotype. Identifiers: MedGen CN230736.

Submission:

Ambry Genetics
Classification: Uncertain significance for Cardiovascular phenotype. Last evaluated: 2025-05-28. Review status: criteria provided, single submitter. Criteria: Ambry Variant Classification Scheme 2023. Collection method: clinical testing. Allele origin: germline.
Comment: The p.Y323C variant (also known as c.968A>G), located in coding exon 8 of the SCN10A gene, results from an A to G substitution at nucleotide position 968. The tyrosine at codon 323 is replaced by cysteine, an amino acid with highly dissimilar properties. This amino acid position is not well conserved in available vertebrate species. In addition, this alteration is predicted to be deleterious by in silico analysis. Based on the available evidence, the clinical significance of this variant remains unclear.

NM_006514.4(SCN10A):c.968A>G (p.Tyr323Cys)

Gene: SCN10A (sodium voltage-gated channel alpha subunit 10; minus strand). Cytogenetic location: 3p22.2.
Variant type: single nucleotide variant.
Coding change: c.968A>G on transcript NM_006514.4 (MANE Select); coding-DNA position 968, A replaced by G.
Protein change: p.Tyr323Cys; replaces tyrosine 323 with cysteine.
Molecular consequence: missense variant.
Genome position (GRCh38, 1-based): chr3:38,757,142, T>C on the plus strand (A>G on the coding strand, the complement: SCN10A is on the minus strand). VCF-style: chr3-38757142-T-C. GRCh37 (hg19) VCF-style: chr3-38798633-T-C.
Other names: c.968A>G, p.Tyr323Cys (NM_001293306.2, NM_001293307.2); short protein forms Y323C.
Identifiers: ClinVar variation 3950877 (VCV003950877.1).